The following is an entry in ClinVar:

ClinVar aggregate classification (germline): Uncertain significance (1 of 4 stars; one submission).

Conditions:
Cranium bifidum occultum. Also called: CRANIUM BIFIDUM, HEREDITARY; CATLIN MARKS; Enlarged Parietal Foramina. Identifiers: MedGen C1868598, HP:0004423.

gnomAD v4.1: 1 of 1,614,124 alleles (0.000062%); highest among the groups gnomAD compares: Non-Finnish European, 0.000085%; no homozygotes.

Submission:

Labcorp Genetics (formerly Invitae), Labcorp
Classification: Uncertain significance for Cranium bifidum occultum. Last evaluated: 2025-04-01. Review status: criteria provided, single submitter. Criteria: Invitae Variant Classification Sherloc (09022015). Collection method: clinical testing. Allele origin: germline.
Comment: This sequence change replaces proline, which is neutral and non-polar, with glutamine, which is neutral and polar, at codon 145 of the MSX2 protein (p.Pro145Gln). This variant is not present in population databases (gnomAD no frequency). This variant has not been reported in the literature in individuals affected with MSX2-related conditions. Invitae Evidence Modeling of protein sequence and biophysical properties (such as structural, functional, and spatial information, amino acid conservation, physicochemical variation, residue mobility, and thermodynamic stability) indicates that this missense variant is expected to disrupt MSX2 protein function with a positive predictive value of 80%. In summary, the available evidence is currently insufficient to determine the role of this variant in disease. Therefore, it has been classified as a Variant of Uncertain Significance.

NM_002449.5(MSX2):c.434C>A (p.Pro145Gln)

Gene: MSX2 (msh homeobox 2; plus strand). Cytogenetic location: 5q35.2.
Variant type: single nucleotide variant.
Coding change: c.434C>A on transcript NM_002449.5 (MANE Select); coding-DNA position 434, C replaced by A.
Protein change: p.Pro145Gln; replaces proline 145 with glutamine.
Molecular consequence: missense variant. On other transcripts: 3 prime UTR variant (1).
Genome position (GRCh38, 1-based): chr5:174,729,213, C>A. VCF-style: chr5-174729213-C-A. GRCh37 (hg19) VCF-style: chr5-174156216-C-A.
Other names: c.*58C>A (NM_001363626.2); short protein forms P145Q.
Identifiers: ClinVar variation 4709203 (VCV004709203.1).